The following is an entry in ClinVar:

ClinVar aggregate classification (germline): Uncertain significance (1 of 4 stars; one submission).

Conditions:
Nephronophthisis. Also called: Juvenile Nephronophthisis. Identifiers: Orphanet 655, MedGen C0687120, MONDO:0019005, HP:0000090.

Submission:

Labcorp Genetics (formerly Invitae), Labcorp
Classification: Uncertain significance for Nephronophthisis. Last evaluated: 2022-02-01. Review status: criteria provided, single submitter. Criteria: Invitae Variant Classification Sherloc (09022015). Collection method: clinical testing. Allele origin: germline.
Comment: Algorithms developed to predict the effect of missense changes on protein structure and function (SIFT, PolyPhen-2, Align-GVGD) all suggest that this variant is likely to be tolerated. This sequence change replaces arginine, which is basic and polar, with methionine, which is neutral and non-polar, at codon 279 of the NPHP1 protein (p.Arg279Met). This variant is not present in population databases (gnomAD no frequency). This variant has not been reported in the literature in individuals affected with NPHP1-related conditions. In summary, the available evidence is currently insufficient to determine the role of this variant in disease. Therefore, it has been classified as a Variant of Uncertain Significance.

NM_001128178.3(NPHP1):c.771+65G>T

Gene: NPHP1 (nephrocystin 1; minus strand). Cytogenetic location: 2q13.
Variant type: single nucleotide variant.
Coding change: c.771+65G>T on transcript NM_001128178.3 (MANE Select); 65 bases into the intron after coding-DNA position 771, G replaced by T.
Molecular consequence: intron variant. On other transcripts: missense variant (2).
Genome position (GRCh38, 1-based): chr2:110,164,623, C>A on the plus strand (G>T on the coding strand, the complement: NPHP1 is on the minus strand). VCF-style: chr2-110164623-C-A. GRCh37 (hg19) VCF-style: chr2-110922200-C-A.
Other names: c.836G>T, p.Arg279Met (NM_000272.5, NM_207181.4); c.585+65G>T (NM_001128179.3); c.771+65G>T (NM_001374256.1, NM_001374257.1); short protein forms R279M.
Identifiers: ClinVar variation 2091441 (VCV002091441.4), dbSNP rs2104559817, ClinGen allele CA348091817.
Genomic context (GRCh38, chr2:110,164,623, plus strand): 5'-TGTACATTCCATGCCCTGAACCCTGTTTCAGATCCATTGGTGTCTTCCACAGTCTCCATC[C>A]TATTTCGCATCAGAACTATTAGGTAGCAAAACGAGACATGATTAACAAGACAGAAGATGC-3'